The following is an entry in ClinVar:

NM_000211.5(ITGB2):c.175T>A (p.Ser59Thr)

Gene: ITGB2 (integrin subunit beta 2; minus strand). Cytogenetic location: 21q22.3.
Variant type: single nucleotide variant.
Coding change: c.175T>A on transcript NM_000211.5 (MANE Select); coding-DNA position 175, T replaced by A.
Protein change: p.Ser59Thr; replaces serine 59 with threonine.
Molecular consequence: missense variant. On other transcripts: 5 prime UTR variant (1).
Genome position (GRCh38, 1-based): chr21:44,907,068, A>T on the plus strand (T>A on the coding strand, the complement: ITGB2 is on the minus strand). VCF-style: chr21-44907068-A-T. GRCh37 (hg19) VCF-style: chr21-46326983-A-T.
Other names: c.175T>A, p.Ser59Thr (NM_001127491.3); c.-33T>A (NM_001303238.2); short protein forms S59T.
Identifiers: ClinVar variation 1945793 (VCV001945793.5), dbSNP rs2084054257, ClinGen allele CA410479931.

ClinVar aggregate classification (germline): Uncertain significance (1 of 4 stars; one submission).

Conditions:
Leukocyte adhesion deficiency 1 (LAD1). Also called: LEUKOCYTE ADHESION DEFICIENCY, TYPE I; LAD 1; Lymphocyte function-associated antigen 1 immunodeficiency; LFA 1 immunodeficiency. Identifiers: Orphanet 2968, Orphanet 99842, MedGen C0398738, MONDO:0007293, OMIM 116920.

Allele frequency attached by ClinVar (database versions not stated): TOPMed below 0.00001.

Submission:

Labcorp Genetics (formerly Invitae), Labcorp
Classification: Uncertain significance for Leukocyte adhesion deficiency 1. Last evaluated: 2022-05-30. Review status: criteria provided, single submitter. Criteria: Invitae Variant Classification Sherloc (09022015). Collection method: clinical testing. Allele origin: germline.
Comment: This variant is not present in population databases (gnomAD no frequency). This variant has not been reported in the literature in individuals affected with ITGB2-related conditions. Algorithms developed to predict the effect of missense changes on protein structure and function are either unavailable or do not agree on the potential impact of this missense change (SIFT: "Deleterious"; PolyPhen-2: "Benign"; Align-GVGD: "Class C55"). In summary, the available evidence is currently insufficient to determine the role of this variant in disease. Therefore, it has been classified as a Variant of Uncertain Significance. This sequence change replaces serine, which is neutral and polar, with threonine, which is neutral and polar, at codon 59 of the ITGB2 protein (p.Ser59Thr).